The following is an entry in ClinVar:

ClinVar aggregate classification (germline): Uncertain significance (1 of 4 stars; one submission).

Conditions:
Congenital disorder of glycosylation type Ir (CDG1R). Also called: DDOST-congenital disorder of glycosylation. Identifiers: Orphanet 300536, MedGen C3281084, MONDO:0013789, OMIM 614507.

Submission:

Labcorp Genetics (formerly Invitae), Labcorp
Classification: Uncertain significance for Congenital disorder of glycosylation type Ir. Last evaluated: 2024-02-17. Review status: criteria provided, single submitter. Criteria: Invitae Variant Classification Sherloc (09022015). Collection method: clinical testing. Allele origin: germline.
Comment: This sequence change affects an acceptor splice site in intron 9 of the DDOST gene. It is expected to disrupt RNA splicing. Variants that disrupt the donor or acceptor splice site typically lead to a loss of protein function (PMID: 16199547), however the current clinical and genetic evidence is not sufficient to establish whether loss-of-function variants in DDOST cause disease. This variant is not present in population databases (gnomAD no frequency). This variant has not been reported in the literature in individuals affected with DDOST-related conditions. ClinVar contains an entry for this variant (Variation ID: 2057698). Algorithms developed to predict the effect of sequence changes on RNA splicing suggest that this variant may disrupt the consensus splice site. In summary, the available evidence is currently insufficient to determine the role of this variant in disease. Therefore, it has been classified as a Variant of Uncertain Significance.

Literature cited by the submitters: PubMed 16199547.

NM_005216.5(DDOST):c.1064-2A>C

Gene: DDOST (dolichyl-diphosphooligosaccharide--protein glycosyltransferase non-catalytic subunit; minus strand). Cytogenetic location: 1p36.12.
Variant type: single nucleotide variant.
Coding change: c.1064-2A>C on transcript NM_005216.5 (MANE Select); the canonical splice acceptor site of the intron before coding-DNA position 1064, A replaced by C.
Molecular consequence: splice acceptor variant.
Genome position (GRCh38, 1-based): chr1:20,652,729, T>G on the plus strand (A>C on the coding strand, the complement: DDOST is on the minus strand). VCF-style: chr1-20652729-T-G. GRCh37 (hg19) VCF-style: chr1-20979222-T-G.
Identifiers: ClinVar variation 2057698 (VCV002057698.4), dbSNP rs1570412370, ClinGen allele CA338846679.